The following is an entry in ClinVar:

ClinVar aggregate classification (germline): Uncertain significance (1 of 4 stars; one submission).

Submission:

Women's Health and Genetics/Laboratory Corporation of America, LabCorp
Classification: Uncertain significance. Last evaluated: 2024-08-12. Review status: criteria provided, single submitter. Criteria: LabCorp Variant Classification Summary - May 2015. Collection method: clinical testing. Allele origin: germline.
Comment: Variant summary: PHIP c.4898A>C (p.Lys1633Thr) results in a non-conservative amino acid change in the encoded protein sequence. Three of five in-silico tools predict a damaging effect of the variant on protein function. The variant was absent in 251196 control chromosomes. The available data on variant occurrences in the general population are insufficient to allow any conclusion about variant significance. To our knowledge, no occurrence of c.4898A>C in individuals affected with Developmental Delay, Intellectual Disability, Obesity, And Dysmorphic Features and no experimental evidence demonstrating its impact on protein function have been reported. No submitters have cited clinical-significance assessments for this variant to ClinVar. Based on the evidence outlined above, the variant was classified as uncertain significance.

NM_017934.7(PHIP):c.4898A>C (p.Lys1633Thr)

Genes: IRAK1BP1 (interleukin 1 receptor associated kinase 1 binding protein 1; plus strand), PHIP (pleckstrin homology domain interacting protein; minus strand). Cytogenetic location: 6q14.1.
Variant type: single nucleotide variant.
Coding change: c.4898A>C on transcript NM_017934.7 (MANE Select); coding-DNA position 4898, A replaced by C.
Protein change: p.Lys1633Thr; replaces lysine 1633 with threonine.
Molecular consequence: missense variant.
Genome position (GRCh38, 1-based): chr6:78,941,261, T>G on the plus strand (A>C on the coding strand, the complement: PHIP is on the minus strand). VCF-style: chr6-78941261-T-G. GRCh37 (hg19) VCF-style: chr6-79650978-T-G.
Other names: short protein forms K1633T.
Identifiers: ClinVar variation 3366840 (VCV003366840.1).